The following is an entry in ClinVar:

ClinVar aggregate classification (germline): Likely benign (1 of 4 stars; one submission).

Submission:

CeGaT Center for Human Genetics Tuebingen
Classification: Likely benign. Last evaluated: 2026-04-01. Review status: criteria provided, single submitter. Criteria: CeGaT Center For Human Genetics Tuebingen Variant Classification Criteria Version 2. Collection method: clinical testing. Allele origin: germline. Affected: yes. Observed: 1 variant allele.
Comment: PLCB1: PM2:Supporting, BP4, BP7

NM_015192.4(PLCB1):c.3333G>A (p.Lys1111=)

Gene: PLCB1 (phospholipase C beta 1; plus strand). Cytogenetic location: 20p12.3.
Variant type: single nucleotide variant.
Coding change: c.3333G>A on transcript NM_015192.4 (MANE Select); coding-DNA position 3333, G replaced by A.
Protein change: p.Lys1111=; no amino-acid change (lysine 1111 retained).
Molecular consequence: synonymous variant.
Genome position (GRCh38, 1-based): chr20:8,789,572, G>A. VCF-style: chr20-8789572-G-A. GRCh37 (hg19) VCF-style: chr20-8770219-G-A.
Other names: c.3333G>A, p.Lys1111= (NM_182734.3).
Identifiers: ClinVar variation 4873681 (VCV004873681.2).